The following is an entry in ClinVar:

ClinVar aggregate classification (germline): Pathogenic (1 of 4 stars; one submission).

Submission:

Labcorp Genetics (formerly Invitae), Labcorp
Classification: Pathogenic. Last evaluated: 2024-11-19. Review status: criteria provided, single submitter. Criteria: Invitae Variant Classification Sherloc (09022015). Collection method: clinical testing. Allele origin: germline.
Comment: This sequence change creates a premature translational stop signal (p.Tyr342*) in the COL11A1 gene. It is expected to result in an absent or disrupted protein product. Loss-of-function variants in COL11A1 are known to be pathogenic (PMID: 20513134, 21035103, 23922384, 25240749, 32427345, 32756486). This variant is not present in population databases (gnomAD no frequency). This variant has not been reported in the literature in individuals affected with COL11A1-related conditions. For these reasons, this variant has been classified as Pathogenic.

Literature cited by the submitters: PubMed 20513134; PubMed 21035103; PubMed 23922384; PubMed 25240749; PubMed 32427345; PubMed 32756486.

NM_001854.4(COL11A1):c.1026T>A (p.Tyr342Ter)

Gene: COL11A1 (collagen type XI alpha 1 chain; minus strand). Cytogenetic location: 1p21.1.
Variant type: single nucleotide variant.
Coding change: c.1026T>A on transcript NM_001854.4 (MANE Select); coding-DNA position 1026, T replaced by A.
Protein change: p.Tyr342Ter; replaces tyrosine 342 with a stop codon.
Molecular consequence: nonsense. On other transcripts: non-coding transcript variant (1), intron variant (1).
Genome position (GRCh38, 1-based): chr1:103,022,961, A>T on the plus strand (T>A on the coding strand, the complement: COL11A1 is on the minus strand). VCF-style: chr1-103022961-A-T. GRCh37 (hg19) VCF-style: chr1-103488517-A-T.
Other names: c.909T>A, p.Tyr303Ter (NM_001190709.2); c.1062T>A, p.Tyr354Ter (NM_080629.3); c.898-1192T>A (NM_080630.4); short protein forms Y342*, Y354*, Y303*.
Identifiers: ClinVar variation 3725689 (VCV003725689.2).